The following is an entry in ClinVar:

ClinVar aggregate classification (germline): Uncertain significance (1 of 4 stars; one submission).

Conditions:
Hereditary cancer-predisposing syndrome. Also called: Tumor predisposition; Hereditary Cancer Syndrome; Hereditary neoplastic syndrome; Neoplastic Syndromes, Hereditary. Identifiers: Orphanet 140162, MedGen C0027672, MeSH D009386, MONDO:0015356.

Submission:

Ambry Genetics
Classification: Uncertain significance for Hereditary cancer-predisposing syndrome. Last evaluated: 2025-09-26. Review status: criteria provided, single submitter. Criteria: Ambry Variant Classification Scheme 2023. Collection method: clinical testing. Allele origin: germline.
Comment: The p.N43K variant (also known as c.129C>G), located in coding exon 2 of the TSC1 gene, results from a C to G substitution at nucleotide position 129. The asparagine at codon 43 is replaced by lysine, an amino acid with similar properties. This amino acid position is conserved. In addition, the in silico prediction for this alteration is inconclusive. Based on the available evidence, the clinical significance of this variant remains unclear.

NM_000368.5(TSC1):c.129C>G (p.Asn43Lys)

Gene: TSC1 (TSC complex subunit 1; minus strand). Cytogenetic location: 9q34.13.
Variant type: single nucleotide variant.
Coding change: c.129C>G on transcript NM_000368.5 (MANE Select); coding-DNA position 129, C replaced by G.
Protein change: p.Asn43Lys; replaces asparagine 43 with lysine.
Molecular consequence: missense variant. On other transcripts: 5 prime UTR variant (9), non-coding transcript variant (4), intron variant (9).
Genome position (GRCh38, 1-based): chr9:132,927,282, G>C on the plus strand (C>G on the coding strand, the complement: TSC1 is on the minus strand). VCF-style: chr9-132927282-G-C. GRCh37 (hg19) VCF-style: chr9-135802669-G-C.
Other names: c.129C>G, p.Asn43Lys (NM_001162426.2, NM_001162427.2, NM_001406592.1 and 21 more transcripts); c.-360C>G (NM_001406615.1, NM_001406623.1); c.-327C>G (NM_001406616.1, NM_001406624.1); c.-749C>G (NM_001406626.1, NM_001406627.1, NM_001406628.1); c.-891C>G (NM_001406629.1); c.-965C>G (NM_001406630.1); c.-153-1543C>G (NM_001406620.1, NM_001406618.1); c.-154+1485C>G (NM_001406625.1, NM_001406621.1, NM_001406617.1 and 3 more transcripts); and 1 more; short protein forms N43K.
Identifiers: ClinVar variation 4554072 (VCV004554072.1).